The following is an entry in ClinVar:

NM_001008212.2(OPTN):c.1401+5G>A

Gene: OPTN (optineurin; plus strand). Cytogenetic location: 10p13.
Variant type: single nucleotide variant.
Coding change: c.1401+5G>A on transcript NM_001008212.2 (MANE Select); 5 bases into the intron after coding-DNA position 1401, G replaced by A.
Molecular consequence: intron variant.
Genome position (GRCh38, 1-based): chr10:13,127,908, G>A. VCF-style: chr10-13127908-G-A. GRCh37 (hg19) VCF-style: chr10-13169908-G-A.
Other names: c.1401+5G>A (NM_001008211.1, NM_001008213.1, NM_021980.4).
Identifiers: ClinVar variation 2319262 (VCV002319262.2), dbSNP rs757404149, ClinGen allele CA5410946.

ClinVar aggregate classification (germline): Uncertain significance (1 of 4 stars; one submission).

Conditions:
Inborn genetic diseases. Identifiers: MedGen C0950123, MeSH D030342.

Allele frequency attached by ClinVar (database versions not stated): gnomAD exomes below 0.00001; ExAC 0.00001.
gnomAD v4.1: 2 of 1,614,094 alleles (0.00012%); highest among the groups gnomAD compares: South Asian, 0.0011%; no homozygotes.

Submission:

Ambry Genetics
Classification: Uncertain significance for Inborn genetic diseases. Last evaluated: 2022-10-27. Review status: criteria provided, single submitter. Criteria: Ambry Variant Classification Scheme 2023. Collection method: clinical testing. Allele origin: germline.
Comment: The c.1401+5G>A intronic alteration consists of a G to A substitution nucleotides after coding exon 10 in the OPTN gene. Based on insufficient or conflicting evidence, the clinical significance of this alteration remains unclear.